The following is an entry in ClinVar:

NM_005045.4(RELN):c.4529T>C (p.Ile1510Thr)

Gene: RELN (reelin; minus strand). Cytogenetic location: 7q22.1.
Variant type: single nucleotide variant.
Coding change: c.4529T>C on transcript NM_005045.4 (MANE Select); coding-DNA position 4529, T replaced by C.
Protein change: p.Ile1510Thr; replaces isoleucine 1510 with threonine.
Molecular consequence: missense variant.
Genome position (GRCh38, 1-based): chr7:103,572,243, A>G on the plus strand (T>C on the coding strand, the complement: RELN is on the minus strand). VCF-style: chr7-103572243-A-G. GRCh37 (hg19) VCF-style: chr7-103212690-A-G.
Other names: c.4529T>C, p.Ile1510Thr (NM_173054.3); short protein forms I1510T.
Identifiers: ClinVar variation 3755441 (VCV003755441.2).

ClinVar aggregate classification (germline): Uncertain significance (1 of 4 stars; one submission).

Conditions:
Familial temporal lobe epilepsy 7. Identifiers: Orphanet 101046, MedGen C4225327, MONDO:0014639, OMIM 616436.
Norman-Roberts syndrome (LIS2). Also called: Lissencephaly 2 (Norman-Roberts type). Identifiers: Orphanet 89844, MedGen C0796089, MONDO:0009760, OMIM 257320.

gnomAD v4.1: 2 of 1,580,134 alleles (0.00013%); highest among the groups gnomAD compares: South Asian, 0.0011%; no homozygotes.

Submission:

Labcorp Genetics (formerly Invitae), Labcorp
Classification: Uncertain significance for Familial temporal lobe epilepsy 7; Norman-Roberts syndrome. Last evaluated: 2024-03-21. Review status: criteria provided, single submitter. Criteria: Invitae Variant Classification Sherloc (09022015). Collection method: clinical testing. Allele origin: germline.
Comment: This sequence change replaces isoleucine, which is neutral and non-polar, with threonine, which is neutral and polar, at codon 1510 of the RELN protein (p.Ile1510Thr). This variant is not present in population databases (gnomAD no frequency). This variant has not been reported in the literature in individuals affected with RELN-related conditions. Advanced modeling of protein sequence and biophysical properties (such as structural, functional, and spatial information, amino acid conservation, physicochemical variation, residue mobility, and thermodynamic stability) performed at Invitae indicates that this missense variant is not expected to disrupt RELN protein function with a negative predictive value of 80%. In summary, the available evidence is currently insufficient to determine the role of this variant in disease. Therefore, it has been classified as a Variant of Uncertain Significance.